The following is an entry in ClinVar:

ClinVar aggregate classification (germline): Uncertain significance. Review status: criteria provided, multiple submitters, no conflicts (2 of 4 stars). 2 submissions from 2 submitters: Uncertain significance (2). Last evaluated 2025-08-24.

Allele frequency attached by ClinVar (database versions not stated): gnomAD exomes 0.00006 and 0.00009; ESP Exome Variant Server 0.00008; TOPMed 0.00008; gnomAD 0.00011; ExAC 0.00012.
gnomAD v4.1: 102 of 1,613,566 alleles (0.0063%); highest among the groups gnomAD compares: Middle Eastern, 0.016%; no homozygotes.

Submissions (2):

Labcorp Genetics (formerly Invitae), Labcorp
Classification: Uncertain significance. Last evaluated: 2025-08-24. Review status: criteria provided, single submitter. Criteria: Invitae Variant Classification Sherloc (09022015). Collection method: clinical testing. Allele origin: germline.
Comment: This sequence change replaces alanine, which is neutral and non-polar, with threonine, which is neutral and polar, at codon 111 of the CREB3L3 protein (p.Ala111Thr). This variant is present in population databases (rs375580896, gnomAD 0.01%). This variant has not been reported in the literature in individuals affected with CREB3L3-related conditions. ClinVar contains an entry for this variant (Variation ID: 1507092). Invitae Evidence Modeling of protein sequence and biophysical properties (such as structural, functional, and spatial information, amino acid conservation, physicochemical variation, residue mobility, and thermodynamic stability) indicates that this missense variant is not expected to disrupt CREB3L3 protein function with a negative predictive value of 80%. In summary, the available evidence is currently insufficient to determine the role of this variant in disease. Therefore, it has been classified as a Variant of Uncertain Significance.

Ambry Genetics
Classification: Uncertain significance. Last evaluated: 2025-02-19. Review status: criteria provided, single submitter. Criteria: Ambry Variant Classification Scheme 2023. Collection method: clinical testing. Allele origin: germline.

NM_032607.3(CREB3L3):c.331G>A (p.Ala111Thr)

Gene: CREB3L3 (cAMP responsive element binding protein 3 like 3; plus strand). Cytogenetic location: 19p13.3.
Variant type: single nucleotide variant.
Coding change: c.331G>A on transcript NM_032607.3 (MANE Select); coding-DNA position 331, G replaced by A.
Protein change: p.Ala111Thr; replaces alanine 111 with threonine.
Molecular consequence: missense variant.
Genome position (GRCh38, 1-based): chr19:4,157,169, G>A. VCF-style: chr19-4157169-G-A. GRCh37 (hg19) VCF-style: chr19-4157166-G-A.
Other names: c.328G>A, p.Ala110Thr (NM_001271995.2); c.331G>A, p.Ala111Thr (NM_001271996.2, NM_001271997.2); c.331G>A (NM_032607.1); short protein forms A110T, A111T.
Identifiers: ClinVar variation 1507092 (VCV001507092.8), dbSNP rs375580896, ClinGen allele CA9091273.